The following is an entry in ClinVar:

NM_015978.3(TNNI3K):c.883del (p.Thr295fs)

Genes: FPGT-TNNI3K (FPGT-TNNI3K readthrough; plus strand), TNNI3K (TNNI3 interacting kinase; plus strand). Cytogenetic location: 1p31.1.
Variant type: Deletion.
Coding change: c.883del on transcript NM_015978.3 (MANE Select); coding-DNA position 883, one base deleted (A; older notation c.883delA).
Protein change: p.Thr295fs; shifts the reading frame from threonine 295.
Molecular consequence: frameshift variant.
Genome position (GRCh38, 1-based): chr1:74,343,130, A deleted; the last of 2 consecutive A bases (chr1:74,343,129-74,343,130); deleting either gives the same sequence. VCF-style (leftmost placement, unchanged base first): chr1-74343128-GA-G. GRCh37 (hg19) VCF-style: chr1-74808812-GA-G.
Other names: c.1186del, p.Thr396fs (NM_001112808.3, NM_001199327.2); c.883delA (NM_015978.2); short protein forms T295fs, T396fs.
Identifiers: ClinVar variation 2081435 (VCV002081435.5), dbSNP rs779433342, ClinGen allele CA909049.
Genomic context (GRCh38, chr1:74,343,128, plus strand): 5'-AATCTAGGGCATGCTACAATGGCAAATTTGAAGTTGCCAAGGAAATCATCCAAATATCAG[GA>G]ACAGAAAGTCTGACTAAGGAAAACATCTTCAGTGAAACAGCTTTTCATAGGTAAAAGAAT-3'

ClinVar aggregate classification (germline): Uncertain significance. Review status: criteria provided, multiple submitters, no conflicts (2 of 4 stars). 2 submissions from 2 submitters: Uncertain significance (2). Last evaluated 2026-04-14.

Conditions:
TNNI3K-related disorder. Also called: TNNI3K-related condition.

Submissions (2):

PreventionGenetics, part of Exact Sciences
Classification: Uncertain significance for TNNI3K-related condition. Last evaluated: 2026-04-14. Review status: criteria provided, single submitter. Criteria: ACMG Guidelines, 2015. Collection method: clinical testing. Allele origin: germline.
Comment: The TNNI3K c.883delA variant is predicted to result in a frameshift and premature protein termination (p.Thr295Glnfs*4). To our knowledge, this variant has not been reported in the literature. This variant is reported in 0.0070% of alleles in individuals of European (Non-Finnish) descent in gnomAD. Loss of function is not an established mechanism of TNNI3K-related disease. At this time, the clinical significance of this variant is uncertain due to the absence of conclusive functional and genetic evidence.

Labcorp Genetics (formerly Invitae), Labcorp
Classification: Uncertain significance. Last evaluated: 2026-01-04. Review status: criteria provided, single submitter. Criteria: Invitae Variant Classification Sherloc (09022015). Collection method: clinical testing. Allele origin: germline.
Comment: This sequence change creates a premature translational stop signal (p.Thr295Glnfs*4) in the TNNI3K gene. It is expected to result in an absent or disrupted protein product. However, the current clinical and genetic evidence is not sufficient to establish whether loss-of-function variants in TNNI3K cause disease. This variant is present in population databases (rs779433342, gnomAD 0.006%). This variant has not been reported in the literature in individuals affected with TNNI3K-related conditions. ClinVar contains an entry for this variant (Variation ID: 2081435). In summary, the available evidence is currently insufficient to determine the role of this variant in disease. Therefore, it has been classified as a Variant of Uncertain Significance.